The following is an entry in ClinVar:

ClinVar aggregate classification (germline): Uncertain significance. Review status: criteria provided, multiple submitters, no conflicts (2 of 4 stars). 3 submissions from 3 submitters: Uncertain significance (3). Last evaluated 2023-04-20.

Conditions:
Inborn genetic diseases. Identifiers: MedGen C0950123, MeSH D030342.

Allele frequency attached by ClinVar (database versions not stated): gnomAD 0.00015; 1000 Genomes Project 30x 0.00016; ESP Exome Variant Server 0.00017; TOPMed 0.00017; gnomAD exomes 0.00019; 1000 Genomes Project 0.00020; ExAC 0.00027.
gnomAD v4.1: 308 of 1,573,038 alleles (0.02%); highest among the groups gnomAD compares: Middle Eastern, 0.24%; 1 homozygote.

Submissions (3):

GeneDx
Classification: Uncertain significance. Last evaluated: 2023-04-20. Review status: criteria provided, single submitter. Criteria: GeneDx Variant Classification Process June 2021. Collection method: clinical testing. Allele origin: germline. Affected: yes.
Comment: In silico analysis supports that this missense variant does not alter protein structure/function; However, In silico analysis is inconclusive as to whether the variant alters gene splicing. In the absence of RNA/functional studies, the actual effect of this sequence change is unknown.; Has not been previously published as pathogenic or benign to our knowledge

Labcorp Genetics (formerly Invitae), Labcorp
Classification: Uncertain significance. Last evaluated: 2022-03-18. Review status: criteria provided, single submitter. Criteria: Invitae Variant Classification Sherloc (09022015). Collection method: clinical testing. Allele origin: germline.
Comment: This sequence change replaces glutamic acid, which is acidic and polar, with valine, which is neutral and non-polar, at codon 489 of the TBC1D32 protein (p.Glu489Val). This variant is present in population databases (rs201652810, gnomAD 0.1%), and has an allele count higher than expected for a pathogenic variant. This variant has not been reported in the literature in individuals affected with TBC1D32-related conditions. Algorithms developed to predict the effect of missense changes on protein structure and function are either unavailable or do not agree on the potential impact of this missense change (SIFT: "Deleterious"; PolyPhen-2: "Possibly Damaging"; Align-GVGD: "Class C0"). Algorithms developed to predict the effect of sequence changes on RNA splicing suggest that this variant may disrupt the consensus splice site. In summary, the available evidence is currently insufficient to determine the role of this variant in disease. Therefore, it has been classified as a Variant of Uncertain Significance.

Ambry Genetics
Classification: Uncertain significance for Inborn genetic diseases. Last evaluated: 2022-03-03. Review status: criteria provided, single submitter. Criteria: Ambry Variant Classification Scheme 2023. Collection method: clinical testing. Allele origin: germline.

NM_152730.6(TBC1D32):c.1466A>T (p.Glu489Val)

Gene: TBC1D32 (TBC1 domain family member 32; minus strand). Cytogenetic location: 6q22.31.
Variant type: single nucleotide variant.
Coding change: c.1466A>T on transcript NM_152730.6 (MANE Select); coding-DNA position 1466, A replaced by T.
Protein change: p.Glu489Val; replaces glutamic acid 489 with valine.
Molecular consequence: missense variant. On other transcripts: non-coding transcript variant (1).
Genome position (GRCh38, 1-based): chr6:121,281,686, T>A on the plus strand (A>T on the coding strand, the complement: TBC1D32 is on the minus strand). VCF-style: chr6-121281686-T-A. GRCh37 (hg19) VCF-style: chr6-121602832-T-A.
Other names: c.1466A>T, p.Glu489Val (NM_001367759.1, NM_001367760.1); c.1466A>T (NM_152730.5); short protein forms E489V.
Identifiers: ClinVar variation 2054812 (VCV002054812.3), dbSNP rs201652810, ClinGen allele CA3981137.